The following is an entry in ClinVar:

ClinVar aggregate classification (germline): Uncertain significance (1 of 4 stars; one submission).

Conditions:
Niemann-Pick disease, type C1. Also called: NEUROVISCERAL STORAGE DISEASE WITH VERTICAL SUPRANUCLEAR OPHTHALMOPLEGIA; NIEMANN-PICK DISEASE WITH CHOLESTEROL ESTERIFICATION BLOCK; NIEMANN-PICK DISEASE WITHOUT SPHINGOMYELINASE DEFICIENCY; NIEMANN-PICK DISEASE, CHRONIC NEURONOPATHIC FORM; NIEMANN-PICK DISEASE, VARIANT TYPE C1. Identifiers: Orphanet 646, MedGen C3179455, MONDO:0009757, OMIM 257220.

Allele frequency attached by ClinVar (database versions not stated): gnomAD exomes 0.00001; TOPMed 0.00001; ExAC 0.00002.

Submission:

Labcorp Genetics (formerly Invitae), Labcorp
Classification: Uncertain significance for Niemann-Pick disease, type C1. Last evaluated: 2024-10-17. Review status: criteria provided, single submitter. Criteria: Invitae Variant Classification Sherloc (09022015). Collection method: clinical testing. Allele origin: germline.
Comment: This sequence change replaces isoleucine, which is neutral and non-polar, with threonine, which is neutral and polar, at codon 245 of the NPC1 protein (p.Ile245Thr). This variant is present in population databases (rs777635692, gnomAD 0.01%). This variant has not been reported in the literature in individuals affected with NPC1-related conditions. ClinVar contains an entry for this variant (Variation ID: 2180387). Invitae Evidence Modeling of protein sequence and biophysical properties (such as structural, functional, and spatial information, amino acid conservation, physicochemical variation, residue mobility, and thermodynamic stability) indicates that this missense variant is not expected to disrupt NPC1 protein function with a negative predictive value of 95%. In summary, the available evidence is currently insufficient to determine the role of this variant in disease. Therefore, it has been classified as a Variant of Uncertain Significance.

NM_000271.5(NPC1):c.734T>C (p.Ile245Thr)

Gene: NPC1 (NPC intracellular cholesterol transporter 1; minus strand). Cytogenetic location: 18q11.2.
Variant type: single nucleotide variant.
Coding change: c.734T>C on transcript NM_000271.5 (MANE Select); coding-DNA position 734, T replaced by C.
Protein change: p.Ile245Thr; replaces isoleucine 245 with threonine.
Molecular consequence: missense variant.
Genome position (GRCh38, 1-based): chr18:23,560,378, A>G on the plus strand (T>C on the coding strand, the complement: NPC1 is on the minus strand). VCF-style: chr18-23560378-A-G. GRCh37 (hg19) VCF-style: chr18-21140342-A-G.
Other names: short protein forms I245T.
Identifiers: ClinVar variation 2180387 (VCV002180387.3), dbSNP rs777635692, ClinGen allele CA8913658.